The following is an entry in ClinVar:

ClinVar aggregate classification (germline): Uncertain significance (1 of 4 stars; one submission).

Conditions:
Inborn genetic diseases. Identifiers: MedGen C0950123, MeSH D030342.

gnomAD v4.1: 1 of 1,614,180 alleles (0.000062%); highest among the groups gnomAD compares: Non-Finnish European, 0.000085%; no homozygotes.

Submission:

Ambry Genetics
Classification: Uncertain significance for Inborn genetic diseases. Last evaluated: 2025-03-04. Review status: criteria provided, single submitter. Criteria: Ambry Variant Classification Scheme 2023. Collection method: clinical testing. Allele origin: germline.
Comment: The p.P511S variant (also known as c.1531C>T), located in coding exon 8 of the MECOM gene, results from a C to T substitution at nucleotide position 1531. The proline at codon 511 is replaced by serine, an amino acid with similar properties. This amino acid position is conserved. In addition, this alteration is predicted to be tolerated by in silico analysis. Based on the available evidence, the clinical significance of this variant remains unclear.

NM_004991.4(MECOM):c.1531C>T (p.Pro511Ser)

Gene: MECOM (MDS1 and EVI1 complex locus; minus strand). Cytogenetic location: 3q26.2.
Variant type: single nucleotide variant.
Coding change: c.1531C>T on transcript NM_004991.4 (MANE Select); coding-DNA position 1531, C replaced by T.
Protein change: p.Pro511Ser; replaces proline 511 with serine.
Molecular consequence: missense variant. On other transcripts: intron variant (2).
Genome position (GRCh38, 1-based): chr3:169,116,341, G>A on the plus strand (C>T on the coding strand, the complement: MECOM is on the minus strand). VCF-style: chr3-169116341-G-A. GRCh37 (hg19) VCF-style: chr3-168834129-G-A.
Other names: c.1162C>T, p.Pro388Ser (NM_001105077.4); c.967C>T, p.Pro323Ser (NM_001105078.4, NM_001164000.2, NM_001205194.2 and 4 more transcripts); c.970C>T, p.Pro324Ser (NM_001163999.2, NM_001366467.2, NM_001366468.2 and 1 more transcripts); c.1531C>T, p.Pro511Ser (NM_001366466.2); c.1133-574C>T (NM_001366473.2); c.569-574C>T (NM_001366474.2); short protein forms P511S, P323S, P324S, P388S.
Identifiers: ClinVar variation 3871877 (VCV003871877.1).
Genomic context (GRCh38, chr3:169,116,341, plus strand): 5'-GTGTCATGAGGGGACTTTGACTTTTGTTTGTCTGTTCAGTACTTGATAGTCCTTTAACAG[G>A]AGAACTAGCAGGTATCAAAGGAGGCCTGTGGTACAAGCCGGAAGGAAACAGACCAGGGAA-3'
Protein context (NP_004982.2, residues 501-521): HRPPLIPASS[Pro511Ser]VKGLSSTEQT